The following is an entry in ClinVar:

NM_006744.4(RBP4):c.358G>C (p.Asp120His)

Gene: RBP4 (retinol binding protein 4; minus strand). Cytogenetic location: 10q23.33.
Variant type: single nucleotide variant.
Coding change: c.358G>C on transcript NM_006744.4 (MANE Select); coding-DNA position 358, G replaced by C.
Protein change: p.Asp120His; replaces aspartic acid 120 with histidine.
Molecular consequence: missense variant.
Genome position (GRCh38, 1-based): chr10:93,594,033, C>G on the plus strand (G>C on the coding strand, the complement: RBP4 is on the minus strand). VCF-style: chr10-93594033-C-G. GRCh37 (hg19) VCF-style: chr10-95353790-C-G.
Other names: c.358G>C, p.Asp120His (NM_001323517.1); c.352G>C, p.Asp118His (NM_001323518.2); short protein forms D118H, D120H.
Identifiers: ClinVar variation 2430200 (VCV002430200.2), dbSNP rs2494059342, ClinGen allele CA377615955.

ClinVar aggregate classification (germline): Likely pathogenic (1 of 4 stars; one submission).

Conditions:
Congenital ocular coloboma. Also called: COLOBOMA OF IRIS, CHOROID, AND RETINA; COLOBOMA, UVEORETINAL; Coloboma of eye; Coloboma. Identifiers: Orphanet 194, MedGen C0009363, MONDO:0001476, HP:0000589.

Submission:

Genetics Department, University Hospital of Toulouse
Classification: Likely pathogenic for Congenital ocular coloboma. Last evaluated: 2022-12-06. Review status: criteria provided, single submitter. Criteria: ACMG Guidelines, 2015. Collection method: clinical testing. Allele origin: germline. Affected: yes. Observed: 1 variant allele.
Comment: PM1, PM2, PP2, PP3